The following is an entry in ClinVar:

NM_030916.3(NECTIN4):c.242dup (p.Leu82fs)

Gene: NECTIN4 (nectin cell adhesion molecule 4; minus strand). Cytogenetic location: 1q23.3.
Variant type: Duplication.
Coding change: c.242dup on transcript NM_030916.3 (MANE Select); coding-DNA position 242, one base duplicated (T; older notation c.242dupT).
Protein change: p.Leu82fs; shifts the reading frame from leucine 82.
Molecular consequence: frameshift variant.
Genome position (GRCh38, 1-based): chr1:161,079,787, A duplicated on the plus strand (T on the coding strand, the reverse complement: NECTIN4 is on the minus strand). VCF-style (leftmost placement, unchanged base first): chr1-161079786-T-TA. GRCh37 (hg19) VCF-style: chr1-161049576-T-TA.
Other names: short protein forms L82fs.
Identifiers: ClinVar variation 4717321 (VCV004717321.1).
Genomic context (GRCh38, chr1:161,079,786, plus strand): 5'-CGGCTGCTCCACGCGGCCCTCGTAAGCCGGGCTCACATGAAGCCCGTATTTGGAGTGCAG[T>TA]AGCGCTAGTTCCTGGGCGCCTTCGCCCGCGTCCACCCGAGCCCATGCCACTTGCCCCACT-3'

ClinVar aggregate classification (germline): Pathogenic (1 of 4 stars; one submission).

Submission:

Labcorp Genetics (formerly Invitae), Labcorp
Classification: Pathogenic. Last evaluated: 2025-04-11. Review status: criteria provided, single submitter. Criteria: Invitae Variant Classification Sherloc (09022015). Collection method: clinical testing. Allele origin: germline.
Comment: This sequence change creates a premature translational stop signal (p.Leu82Thrfs*41) in the NECTIN4 gene. It is expected to result in an absent or disrupted protein product. Loss-of-function variants in NECTIN4 are known to be pathogenic (PMID: 20691405, 25529316). This variant is not present in population databases (gnomAD no frequency). This variant has not been reported in the literature in individuals affected with NECTIN4-related conditions. For these reasons, this variant has been classified as Pathogenic.

Literature cited by the submitters: PubMed 20691405; PubMed 25529316.